The following is an entry in ClinVar:

ClinVar aggregate classification (germline): Conflicting classifications of pathogenicity. Review status: criteria provided, conflicting classifications (1 of 4 stars). 15 submissions from 13 submitters: Uncertain significance (2); Benign (5); Likely benign (7). 1 of the submissions does not count toward it. Last evaluated 2026-09-01.

Conditions:
SDHA-related disorder. Also called: SDHA-related disorders; SDHA-related condition.
Hereditary cancer-predisposing syndrome. Also called: Hereditary neoplastic syndrome; Hereditary Cancer Syndrome; Neoplastic Syndromes, Hereditary; Tumor predisposition. Identifiers: Orphanet 140162, MedGen C0027672, MeSH D009386, MONDO:0015356.
Mitochondrial complex II deficiency, nuclear type 1. Also called: SUCCINATE CoQ REDUCTASE DEFICIENCY. Identifiers: Orphanet 3208, MedGen C5700310, MONDO:0100294, OMIM 252011.
Pheochromocytoma/paraganglioma syndrome 5. Also called: Paragangliomas 5; SDHA-Related Hereditary Paraganglioma-Pheochromocytoma Syndrome. Identifiers: Orphanet 29072, MedGen C3279992, MONDO:0013602, OMIM 614165.
Hereditary pheochromocytoma and paraganglioma. Also called: Hereditary pheochromocytoma-paraganglioma; Hereditary Paraganglioma-Pheochromocytoma Syndromes; Hereditary paragangliomas and pheochromocytomas. Identifiers: Orphanet 29072, MedGen C4274332, MONDO:0017366.
Leigh syndrome (NULS). Also called: Leigh Syndrome (mtDNA deletion); Leigh's syndrome; Leigh's necrotizing encephalopathy; Leigh's disease; Leigh Disease; Subacute necrotizing encephalopathy. Identifiers: Orphanet 506, MedGen C2931891, MONDO:0009723, OMIM 256000.

Allele frequency attached by ClinVar (database versions not stated): 1000 Genomes Project 30x 0.00031; 1000 Genomes Project 0.00040; gnomAD 0.00073 and 0.00075; TOPMed 0.00077; ExAC 0.00079; gnomAD exomes 0.00084 and 0.00109; ESP Exome Variant Server 0.00085.
gnomAD v4.1: 1,674 of 1,614,184 alleles (0.1%); highest among the groups gnomAD compares: Non-Finnish European, 0.13%; 2 homozygotes.

Submissions (15):

CeGaT Center for Human Genetics Tuebingen
Classification: Likely benign. Last evaluated: 2026-09-01. Review status: criteria provided, single submitter. Criteria: CeGaT Center For Human Genetics Tuebingen Variant Classification Criteria Version 2. Collection method: clinical testing. Allele origin: germline. Affected: yes. Observed: 30 variant alleles.
Comment: SDHA: BP4, BP7

Labcorp Genetics (formerly Invitae), Labcorp
Classification: Benign for Pheochromocytoma/paraganglioma syndrome 5; Mitochondrial complex II deficiency, nuclear type 1. Last evaluated: 2026-02-03. Review status: criteria provided, single submitter. Criteria: Invitae Variant Classification Sherloc (09022015). Collection method: clinical testing. Allele origin: germline.

Myriad Genetics, Inc.
Classification: Benign for Pheochromocytoma/paraganglioma syndrome 5. Last evaluated: 2025-03-07. Review status: criteria provided, single submitter. Criteria: Myriad Autosomal Dominant, Autosomal Recessive and X-Linked Classification Criteria (2023). Collection method: clinical testing. Allele origin: unknown.
Comment: This variant is considered benign. This variant is a silent/synonymous amino acid change and it is not expected to impact splicing.

Laboratory of Genetics, Children's Clinical University Hospital Latvia
Classification: Likely benign. Last evaluated: 2025-02-16. Review status: criteria provided, single submitter. Criteria: ACMG Guidelines, 2015. Collection method: clinical testing. Allele origin: germline. Affected: yes.

Blueprint Genetics
Classification: Likely benign. Last evaluated: 2024-11-23. Review status: criteria provided, single submitter. Criteria: ACMG Guidelines, 2015. Collection method: clinical testing. Allele origin: germline.

KCCC/NGS Laboratory, Kuwait Cancer Control Center
Classification: Likely benign for Pheochromocytoma/paraganglioma syndrome 5. Last evaluated: 2023-07-07. Review status: criteria provided, single submitter. Criteria: ACMG Guidelines, 2015. Collection method: clinical testing. Allele origin: germline. Affected: yes.

Quest Diagnostics Nichols Institute San Juan Capistrano
Classification: Benign. Last evaluated: 2021-08-11. Review status: criteria provided, single submitter. Criteria: Quest Diagnostics criteria. Collection method: clinical testing. Allele origin: unknown.

Sema4
Classification: Benign for Hereditary cancer-predisposing syndrome. Last evaluated: 2021-03-29. Review status: criteria provided, single submitter. Criteria: Sema4 Curation Guidelines. Collection method: curation. Allele origin: germline.

GeneDx
Classification: Likely benign. Last evaluated: 2020-09-29. Review status: criteria provided, single submitter. Criteria: GeneDx Variant Classification Process June 2021. Collection method: clinical testing. Allele origin: germline. Affected: yes.
Comment: This variant is associated with the following publications: (PMID: 23666964)

Genetic Services Laboratory, University of Chicago
Classification: Likely benign. Last evaluated: 2019-07-23. Review status: criteria provided, single submitter. Criteria: ACMG Guidelines, 2015. Collection method: clinical testing. Allele origin: germline. Affected: no.

Illumina Laboratory Services, Illumina
Classification: Uncertain significance for Leigh syndrome. Last evaluated: 2017-04-28. Review status: criteria provided, single submitter. Criteria: ICSL Variant Classification Criteria 13 December 2019. Collection method: clinical testing. Allele origin: germline.

Illumina Laboratory Services, Illumina
Classification: Uncertain significance for Mitochondrial complex II deficiency, nuclear type 1. Last evaluated: 2017-04-28. Review status: criteria provided, single submitter. Criteria: ICSL Variant Classification Criteria 13 December 2019. Collection method: clinical testing. Allele origin: germline.

Illumina Laboratory Services, Illumina
Classification: Benign for Hereditary Paraganglioma-Pheochromocytoma Syndromes. Last evaluated: 2017-04-28. Review status: criteria provided, single submitter. Criteria: ICSL Variant Classification Criteria 13 December 2019. Collection method: clinical testing. Allele origin: germline.
Comment: This variant was observed as part of a predisposition screen in an ostensibly healthy population. A literature search was performed for the gene, cDNA change, and amino acid change (where applicable). Publications were found based on this search. The evidence from the literature, in combination with allele frequency data from public databases where available, was sufficient to rule this variant out of causing disease. Therefore, this variant is classified as benign.

Ambry Genetics
Classification: Likely benign for Hereditary cancer-predisposing syndrome. Last evaluated: 2015-03-06. Review status: criteria provided, single submitter. Criteria: Ambry Variant Classification Scheme 2023. Collection method: clinical testing. Allele origin: germline.

PreventionGenetics, part of Exact Sciences
Classification: Likely benign for SDHA-related condition. Last evaluated: 2019-09-13. Review status: no assertion criteria provided. Collection method: clinical testing. Allele origin: germline. Not counted in ClinVar's aggregate classification.
Comment: This variant is classified as likely benign based on ACMG/AMP sequence variant interpretation guidelines (Richards et al. 2015 PMID: 25741868, with internal and published modifications).

Literature cited by the submitters: PubMed 23666964 (cited by Quest Diagnostics Nichols Institute San Juan Capistrano and Illumina Laboratory Services, Illumina).

NM_004168.4(SDHA):c.1002G>A (p.Ala334=)

Gene: SDHA (succinate dehydrogenase complex flavoprotein subunit A; plus strand). Cytogenetic location: 5p15.33.
Variant type: single nucleotide variant.
Coding change: c.1002G>A on transcript NM_004168.4 (MANE Select); coding-DNA position 1002, G replaced by A.
Protein change: p.Ala334=; no amino-acid change (alanine 334 retained).
Molecular consequence: synonymous variant.
Genome position (GRCh38, 1-based): chr5:233,583, G>A. VCF-style: chr5-233583-G-A. GRCh37 (hg19) VCF-style: chr5-233698-G-A.
Other names: c.858G>A, p.Ala286= (NM_001294332.2); c.1002G>A, p.Ala334= (NM_001330758.2).
Identifiers: ClinVar variation 252904 (VCV000252904.56), dbSNP rs144252500, ClinGen allele CA3173063.